The following is an entry in ClinVar:

ClinVar aggregate classification (germline): Uncertain significance (1 of 4 stars; one submission).

Conditions:
Combined immunodeficiency with skin granulomas. Identifiers: Orphanet 157949, MedGen C2673536, MONDO:0009306, OMIM 233650.
Severe combined immunodeficiency, autosomal recessive, T cell-negative, B cell-negative, NK cell-positive. Also called: SCID, AR, T-cell negative, B-cell negative, NK cell-positive; SCID, T CELL-NEGATIVE, B CELL-NEGATIVE, NK CELL-POSITIVE; Severe combined immunodeficiency due to complete RAG1/2 deficiency. Identifiers: Orphanet 331206, MedGen C1832322, MONDO:0011086, OMIM 601457.

Allele frequency attached by ClinVar (database versions not stated): gnomAD exomes below 0.00001.
gnomAD v4.1: 1 of 1,613,820 alleles (0.000062%); highest among the groups gnomAD compares: Non-Finnish European, 0.000085%; no homozygotes.

Submission:

Labcorp Genetics (formerly Invitae), Labcorp
Classification: Uncertain significance for Combined immunodeficiency with skin granulomas; Severe combined immunodeficiency, autosomal recessive, T cell-negative, B cell-negative, NK cell-positive. Last evaluated: 2022-06-13. Review status: criteria provided, single submitter. Criteria: Invitae Variant Classification Sherloc (09022015). Collection method: clinical testing. Allele origin: germline.
Comment: In summary, the available evidence is currently insufficient to determine the role of this variant in disease. Therefore, it has been classified as a Variant of Uncertain Significance. Advanced modeling of protein sequence and biophysical properties (such as structural, functional, and spatial information, amino acid conservation, physicochemical variation, residue mobility, and thermodynamic stability) performed at Invitae indicates that this missense variant is expected to disrupt RAG1 protein function. This variant has not been reported in the literature in individuals affected with RAG1-related conditions. This variant is not present in population databases (gnomAD no frequency). This sequence change replaces glycine, which is neutral and non-polar, with aspartic acid, which is acidic and polar, at codon 696 of the RAG1 protein (p.Gly696Asp).

NM_000448.3(RAG1):c.2087G>A (p.Gly696Asp)

Gene: RAG1 (recombination activating 1; plus strand). Cytogenetic location: 11p12.
Variant type: single nucleotide variant.
Coding change: c.2087G>A on transcript NM_000448.3 (MANE Select); coding-DNA position 2087, G replaced by A.
Protein change: p.Gly696Asp; replaces glycine 696 with aspartic acid.
Molecular consequence: missense variant.
Genome position (GRCh38, 1-based): chr11:36,575,391, G>A. VCF-style: chr11-36575391-G-A. GRCh37 (hg19) VCF-style: chr11-36596941-G-A.
Other names: c.2087G>A, p.Gly696Asp (NM_001377277.1, NM_001377278.1, NM_001377279.1 and 1 more transcripts); short protein forms G696D.
Identifiers: ClinVar variation 1515364 (VCV001515364.8), dbSNP rs1850828185, ClinGen allele CA380153966.